The following is an entry in ClinVar:

NM_016169.4(SUFU):c.1138C>A (p.Leu380Ile)

Gene: SUFU (SUFU negative regulator of hedgehog signaling; plus strand). Cytogenetic location: 10q24.32.
Variant type: single nucleotide variant.
Coding change: c.1138C>A on transcript NM_016169.4 (MANE Select); coding-DNA position 1138, C replaced by A.
Protein change: p.Leu380Ile; replaces leucine 380 with isoleucine.
Molecular consequence: missense variant.
Genome position (GRCh38, 1-based): chr10:102,615,383, C>A. VCF-style: chr10-102615383-C-A. GRCh37 (hg19) VCF-style: chr10-104375140-C-A.
Other names: c.1138C>A, p.Leu380Ile (NM_001178133.2); short protein forms L380I.
Identifiers: ClinVar variation 2482493 (VCV002482493.3), dbSNP rs2135930417, ClinGen allele CA377914492.

ClinVar aggregate classification (germline): Uncertain significance (1 of 4 stars; one submission).

Conditions:
Hereditary cancer-predisposing syndrome. Also called: Neoplastic Syndromes, Hereditary; Hereditary neoplastic syndrome; Tumor predisposition; Hereditary Cancer Syndrome. Identifiers: Orphanet 140162, MedGen C0027672, MeSH D009386, MONDO:0015356.

Submission:

Ambry Genetics
Classification: Uncertain significance for Hereditary cancer-predisposing syndrome. Last evaluated: 2025-09-25. Review status: criteria provided, single submitter. Criteria: Ambry Variant Classification Scheme 2023. Collection method: clinical testing. Allele origin: germline.
Comment: The p.L380I variant (also known as c.1138C>A), located in coding exon 9 of the SUFU gene, results from a C to A substitution at nucleotide position 1138. The leucine at codon 380 is replaced by isoleucine, an amino acid with highly similar properties. This amino acid position is conserved. In addition, the in silico prediction for this alteration is inconclusive. Based on the available evidence, the clinical significance of this variant remains unclear.